The following is an entry in ClinVar:

NM_000632.4(ITGAM):c.4G>T (p.Ala2Ser)

Gene: ITGAM (integrin subunit alpha M; plus strand). Cytogenetic location: 16p11.2.
Variant type: single nucleotide variant.
Coding change: c.4G>T on transcript NM_000632.4 (MANE Select); coding-DNA position 4, G replaced by T.
Protein change: p.Ala2Ser; replaces alanine 2 with serine.
Molecular consequence: missense variant.
Genome position (GRCh38, 1-based): chr16:31,260,068, G>T. VCF-style: chr16-31260068-G-T. GRCh37 (hg19) VCF-style: chr16-31271389-G-T.
Other names: c.4G>T, p.Ala2Ser (NM_001145808.2); short protein forms A2S.
Identifiers: ClinVar variation 2707877 (VCV002707877.3), dbSNP rs2544345457, ClinGen allele CA395677824.
Genomic context (GRCh38, chr16:31,260,068, plus strand): 5'-TCAGTGGTGCCTGCAACCCCTGGTTCACCTCCTTCCAGGTTCTGGCTCCTTCCAGCCATG[G>T]CTCTCAGAGTCCTTCTGTTAACAGGTGCATGGGGGTGGGGTGGGGGACTCTGGGTGGGGA-3'
Protein context (NP_000623.2, residues 1-12): M[Ala2Ser]LRVLLLTALT

ClinVar aggregate classification (germline): Uncertain significance (1 of 4 stars; one submission).

Allele frequency attached by ClinVar (database versions not stated): gnomAD exomes below 0.00001.
gnomAD v4.1: 1 of 1,551,864 alleles (0.000064%); highest among the groups gnomAD compares: East Asian, 0.0024%; no homozygotes.

Submission:

Labcorp Genetics (formerly Invitae), Labcorp
Classification: Uncertain significance. Last evaluated: 2024-01-06. Review status: criteria provided, single submitter. Criteria: Invitae Variant Classification Sherloc (09022015). Collection method: clinical testing. Allele origin: germline.
Comment: This sequence change replaces alanine, which is neutral and non-polar, with serine, which is neutral and polar, at codon 2 of the ITGAM protein (p.Ala2Ser). This variant is not present in population databases (gnomAD no frequency). This variant has not been reported in the literature in individuals affected with ITGAM-related conditions. Experimental studies and prediction algorithms are not available or were not evaluated, and the functional significance of this variant is currently unknown. In summary, the available evidence is currently insufficient to determine the role of this variant in disease. Therefore, it has been classified as a Variant of Uncertain Significance.